The following is an entry in ClinVar:

NR_003051.4(RMRP):n.67A>G

Gene: RMRP (RNA component of mitochondrial RNA processing endoribonuclease; minus strand). Cytogenetic location: 9p13.3.
Variant type: single nucleotide variant.
Genome position: GRCh38 VCF-style: chr9-35657953-T-C. GRCh37 (hg19) VCF-style: chr9-35657950-T-C.
Identifiers: ClinVar variation 465212 (VCV000465212.4), dbSNP rs530883024, ClinGen allele CA192745666.
Genomic context (GRCh38, chr9:35,657,953, plus strand): 5'-GGGAATGTCTACGTGCGTATGCACGTGGCACTCTCTGCCCGAGGTCCGGGGACTTTCCCC[T>C]AGGCGGAAAGGGGAGGAACAGAGTCCTCAGTGTGTAGCCTAGGATACAGGCCTTCAGCAC-3'

ClinVar aggregate classification (germline): Uncertain significance. Review status: criteria provided, single submitter (1 of 4 stars). 2 submissions from 2 submitters: Uncertain significance (1). 1 of the submissions does not count toward it. Last evaluated 2025-11-25.

Conditions:
Metaphyseal chondrodysplasia, McKusick type (CHH). Also called: Cartilage-Hair Hypoplasia (CHH); Cartilage-hair hypoplasia. Identifiers: Orphanet 175, MedGen C0220748, MONDO:0009595, OMIM 250250.
Anauxetic dysplasia. Identifiers: Orphanet 93347, MedGen C1846796, MONDO:0011773.

Allele frequency attached by ClinVar (database versions not stated): gnomAD exomes 0.00005; TOPMed 0.00005; gnomAD 0.00010; 1000 Genomes Project 30x 0.00016; 1000 Genomes Project 0.00020.
gnomAD v4.1: 44 of 700,432 alleles (0.0063%); highest among the groups gnomAD compares: Middle Eastern, 0.11%; 1 homozygote.

Submissions (2):

Labcorp Genetics (formerly Invitae), Labcorp
Classification: Uncertain significance for Anauxetic dysplasia. Last evaluated: 2025-11-25. Review status: criteria provided, single submitter. Criteria: Invitae Variant Classification Sherloc (09022015). Collection method: clinical testing. Allele origin: germline.
Comment: This variant occurs in the RMRP gene, which encodes an RNA molecule that does not result in a protein product. This variant is present in population databases (rs530883024, gnomAD 0.01%). This variant has not been reported in the literature in individuals affected with RMRP-related conditions. ClinVar contains an entry for this variant (Variation ID: 465212). Experimental studies and prediction algorithms are not available or were not evaluated, and the functional significance of this variant is currently unknown. In summary, the available evidence is currently insufficient to determine the role of this variant in disease. Therefore, it has been classified as a Variant of Uncertain Significance.

Natera, Inc.
Classification: Uncertain significance for Cartilage-hair hypoplasia. Last evaluated: 2019-11-11. Review status: no assertion criteria provided. Collection method: clinical testing. Allele origin: germline. Not counted in ClinVar's aggregate classification.